The following is an entry in ClinVar:

NM_002485.5(NBN):c.1124+10C>G

Gene: NBN (nibrin; minus strand). Cytogenetic location: 8q21.3.
Variant type: single nucleotide variant.
Coding change: c.1124+10C>G on transcript NM_002485.5 (MANE Select); 10 bases into the intron after coding-DNA position 1124, C replaced by G.
Molecular consequence: intron variant.
Genome position (GRCh38, 1-based): chr8:89,958,715, G>C on the plus strand (C>G on the coding strand, the complement: NBN is on the minus strand). VCF-style: chr8-89958715-G-C. GRCh37 (hg19) VCF-style: chr8-90970943-G-C.
Other names: c.878+10C>G (NM_001024688.3, NM_001440379.1, NM_001440380.1).
Identifiers: ClinVar variation 4533047 (VCV004533047.1).
Genomic context (GRCh38, chr8:89,958,715, plus strand): 5'-TTACTTCCTGAATATACTATTAATTTATTGATAGAATAATAACAATAGTACGGTAATGAA[G>C]AAGCTTTACCATGTATCTGCTTGCTCTGATTCTGTGTCAGCTACGTATGTTGTAGTGTTC-3'

ClinVar aggregate classification (germline): Uncertain significance (1 of 4 stars; one submission).

Submission:

Quest Diagnostics Nichols Institute San Juan Capistrano
Classification: Uncertain significance. Last evaluated: 2025-10-08. Review status: criteria provided, single submitter. Criteria: Quest Diagnostics criteria. Collection method: clinical testing. Allele origin: unknown.
Comment: The NBN c.1124+10C>G variant has not been reported in individuals with NBN-related conditions in the published literature. This variant also has not been reported in large, multi-ethnic general populations (Genome Aggregation Database). Analysis of this variant using software algorithms for the prediction of the effect of nucleotide changes on splicing yielded predictions that this variant does not affect NBN mRNA splicing. Based on the available information, we are unable to determine the clinical significance of this variant.